The following is an entry in ClinVar:

NM_005902.4(SMAD3):c.333C>T (p.Phe111=)

Gene: SMAD3 (SMAD family member 3; plus strand). Cytogenetic location: 15q22.33.
Variant type: single nucleotide variant.
Coding change: c.333C>T on transcript NM_005902.4 (MANE Select); coding-DNA position 333, C replaced by T.
Protein change: p.Phe111=; no amino-acid change (phenylalanine 111 retained).
Molecular consequence: synonymous variant.
Genome position (GRCh38, 1-based): chr15:67,165,021, C>T. VCF-style: chr15-67165021-C-T. GRCh37 (hg19) VCF-style: chr15-67457359-C-T.
Other names: c.18C>T, p.Phe6= (NM_001145102.2); c.201C>T, p.Phe67= (NM_001145103.2).
Identifiers: ClinVar variation 264429 (VCV000264429.25), dbSNP rs762612490, ClinGen allele CA062118.

ClinVar aggregate classification (germline): Likely benign. Review status: criteria provided, multiple submitters, no conflicts (2 of 4 stars). 4 submissions from 4 submitters: Likely benign (4). Last evaluated 2024-11-27.

Conditions:
Aneurysm-osteoarthritis syndrome. Also called: SMAD3-Related Loeys-Dietz Syndrome; ANEURYSMS-OSTEOARTHRITIS SYNDROME; LOEYS-DIETZ SYNDROME WITH OSTEOARTHRITIS; Loeys-Dietz syndrome, type 1C. Identifiers: Orphanet 284984, MedGen C3151087, MONDO:0013426, OMIM 613795.
Familial thoracic aortic aneurysm and aortic dissection (TAAD). Also called: Thoracic aortic aneurysms and dissections. Identifiers: Orphanet 91387, MedGen C4707243, MONDO:0019625.

Allele frequency attached by ClinVar (database versions not stated): TOPMed below 0.00001; gnomAD exomes 0.00001 and 0.00003; ExAC 0.00004.
gnomAD v4.1: 17 of 1,614,116 alleles (0.0011%); highest among the groups gnomAD compares: East Asian, 0.013%; no homozygotes.

Submissions (4):

Labcorp Genetics (formerly Invitae), Labcorp
Classification: Likely benign for Familial thoracic aortic aneurysm and aortic dissection. Last evaluated: 2024-11-27. Review status: criteria provided, single submitter. Criteria: Invitae Variant Classification Sherloc (09022015). Collection method: clinical testing. Allele origin: germline.

All of Us Research Program, National Institutes of Health
Classification: Likely benign for Aneurysm-osteoarthritis syndrome. Last evaluated: 2024-09-23. Review status: criteria provided, single submitter. Criteria: ACMG Guidelines, 2015. Collection method: clinical testing. Allele origin: germline. Inheritance: Autosomal dominant inheritance. Observed: 7 variant alleles, 7 heterozygotes.
Comment: This study involves interpretation of variants in research participants for the purpose of population health screening. Participant phenotype was not available at the time of variant classification. Additional details can be found in publication PMID: 35346344, PMCID: PMC8962531

Color Diagnostics, LLC DBA Color Health
Classification: Likely benign for Familial thoracic aortic aneurysm and aortic dissection. Last evaluated: 2018-10-02. Review status: criteria provided, single submitter. Criteria: ACMG Guidelines, 2015. Collection method: clinical testing. Allele origin: germline.

Ambry Genetics
Classification: Likely benign for Familial thoracic aortic aneurysm and aortic dissection. Last evaluated: 2015-09-27. Review status: criteria provided, single submitter. Criteria: Ambry Variant Classification Scheme 2023. Collection method: clinical testing. Allele origin: germline.